The following is an entry in ClinVar:

NM_194248.3(OTOF):c.4030C>T (p.Arg1344Ter)

Gene: OTOF (otoferlin; minus strand). Cytogenetic location: 2p23.3.
Variant type: single nucleotide variant.
Coding change: c.4030C>T on transcript NM_194248.3 (MANE Select); coding-DNA position 4030, C replaced by T.
Protein change: p.Arg1344Ter; replaces arginine 1344 with a stop codon.
Molecular consequence: nonsense.
Genome position (GRCh38, 1-based): chr2:26,468,468, G>A on the plus strand (C>T on the coding strand, the complement: OTOF is on the minus strand). VCF-style: chr2-26468468-G-A. GRCh37 (hg19) VCF-style: chr2-26691336-G-A.
Other names: NM_194248.2:c.4030C>T, p.(Arg1344*); c.4030C>T, p.Arg1344Ter (NM_001287489.2); c.1729C>T, p.Arg577Ter (NM_004802.4, NM_194323.3); c.1960C>T, p.Arg654Ter (NM_194322.3); short protein forms R1344*, R577*, R654*.
Identifiers: ClinVar variation 402271 (VCV000402271.9), dbSNP rs1060499805, ClinGen allele CA16609559.

ClinVar aggregate classification (germline): Pathogenic. Review status: criteria provided, multiple submitters, no conflicts (2 of 4 stars). 6 submissions from 6 submitters: Pathogenic (4). 2 of the submissions do not count toward it. Last evaluated 2024-01-11.

Conditions:
Autosomal recessive nonsyndromic hearing loss 9. Also called: OTOF-Related Hearing Loss; Deafness, autosomal recessive 9; NEUROSENSORY NONSYNDROMIC RECESSIVE DEAFNESS 9; AUDITORY NEUROPATHY, AUTOSOMAL RECESSIVE, 1, TEMPERATURE-SENSITIVE. Identifiers: Orphanet 90636, MedGen C1832828, MONDO:0010986, OMIM 601071.

gnomAD v4.1: 4 of 1,613,826 alleles (0.00025%); highest among the groups gnomAD compares: Non-Finnish European, 0.00034%; no homozygotes.

Submissions (6):

Clinical Genetics Laboratory, Skane University Hospital Lund
Classification: Pathogenic. Last evaluated: 2024-01-11. Review status: criteria provided, single submitter. Criteria: ACMG Guidelines, 2015. Collection method: clinical testing. Allele origin: germline. Affected: yes.

Labcorp Genetics (formerly Invitae), Labcorp
Classification: Pathogenic. Last evaluated: 2023-04-22. Review status: criteria provided, single submitter. Criteria: Invitae Variant Classification Sherloc (09022015). Collection method: clinical testing. Allele origin: germline.
Comment: This variant is not present in population databases (gnomAD no frequency). For these reasons, this variant has been classified as Pathogenic. ClinVar contains an entry for this variant (Variation ID: 402271). This variant is also known as Arg577STOP. This premature translational stop signal has been observed in individual(s) with deafness (PMID: 19888295). This sequence change creates a premature translational stop signal (p.Arg1344*) in the OTOF gene. It is expected to result in an absent or disrupted protein product. Loss-of-function variants in OTOF are known to be pathogenic (PMID: 18381613, 19250381, 22575033).

Fulgent Genetics
Classification: Pathogenic for Autosomal recessive nonsyndromic hearing loss 9. Last evaluated: 2022-02-09. Review status: criteria provided, single submitter. Criteria: ACMG Guidelines, 2015. Collection method: clinical testing. Allele origin: unknown.

King Laboratory, University of Washington
Classification: Pathogenic for Autosomal recessive nonsyndromic hearing loss 9. Last evaluated: 2020-08-01. Review status: criteria provided, single submitter. Criteria: Abu Rayyan A et al. (Proc Natl Acad Sci U S A 2020). Collection method: research. Allele origin: germline. Affected: yes.
Comment: OTOF c.4030C>T, p.R1344* is homozygous in 3 children with severe to profound pre-lingual hearing loss in a Palestinian family (Abu Rayyan 2020). The variant is absent from 1300 Palestinian controls and from public databases.

Diagnosis and Treatment Center of Genetic Hearing Loss, Eye & ENT Hospital of Fudan University
Classification: Pathogenic for Autosomal recessive nonsyndromic hearing loss 9. Last evaluated: 2026-02-04. Review status: no assertion criteria provided. Collection method: clinical testing. Allele origin: germline. Inheritance: Autosomal recessive inheritance. Affected: yes. Not counted in ClinVar's aggregate classification.
Comment: The c.4030C>T nonsense variant in OTOF leads to a premature stop codon and predicted NMD (PVS1). It is absent from population databases (PM2_Supporting). It segregates in two affected family members (PP1).

Hereditary Research Laboratory, Bethlehem University
Classification: Pathogenic for Autosomal recessive nonsyndromic hearing loss 9. Last evaluated: 2016-06-04. Review status: no assertion criteria provided. Collection method: research. Allele origin: germline. Affected: yes. Not counted in ClinVar's aggregate classification.
Comment: Severe to Profound

Literature cited by the submitters: PubMed 19888295 (cited by Labcorp Genetics (formerly Invitae), Labcorp); PubMed 18381613 (cited by Labcorp Genetics (formerly Invitae), Labcorp); PubMed 19250381 (cited by Labcorp Genetics (formerly Invitae), Labcorp); PubMed 22575033 (cited by Labcorp Genetics (formerly Invitae), Labcorp).